The following is an entry in ClinVar:

NM_000219.6(KCNE1):c.258C>G (p.Ala86=)

Gene: KCNE1 (potassium voltage-gated channel subfamily E regulatory subunit 1; minus strand). Cytogenetic location: 21q22.12.
Variant type: single nucleotide variant.
Coding change: c.258C>G on transcript NM_000219.6 (MANE Select); coding-DNA position 258, C replaced by G.
Protein change: p.Ala86=; no amino-acid change (alanine 86 retained).
Molecular consequence: synonymous variant.
Genome position (GRCh38, 1-based): chr21:34,449,377, G>C on the plus strand (C>G on the coding strand, the complement: KCNE1 is on the minus strand). VCF-style: chr21-34449377-G-C. GRCh37 (hg19) VCF-style: chr21-35821675-G-C.
Other names: c.258C>G, p.Ala86= (NM_001127668.4, NM_001127669.4, NM_001127670.4 and 4 more transcripts).
Identifiers: ClinVar variation 3374460 (VCV003374460.2).
Genomic context (GRCh38, chr21:34,449,377, plus strand): 5'-GCACGACCTGTAGCTCTCCAGGACCCGGGCCTGGACATAGGCCTTGTCCTTCTCTTGCCA[G>C]GCATCGGACTCGATGTAGACGTTGAATGGGTCGTTCGAGTGCTCCAGCTTCTTGGAGCGG-3'
Protein context (NP_000210.2, residues 76-96): DPFNVYIESD[Ala86=]WQEKDKAYVQ

Conditions:
Long QT syndrome 5 (LQT5). Identifiers: Orphanet 101016, Orphanet 768, MedGen C1867904, MONDO:0013372, OMIM 613695.

Submission:

Roden Lab, Vanderbilt University Medical Center
No classification provided (evidence only). Condition: Long QT syndrome 5. Review status: no classification provided. Collection method: in vitro. Allele origin: not applicable. Functional consequence: Effect on ion channel function.
ClinVar note: "not provided" was previously submitted as the classification for the variant. However, the classification appeared to be based only on an observation of functional data so it was converted to no classification on 2025-07-30.